The following is an entry in ClinVar:

NM_001145715.3(KPNA7):c.381C>G (p.Tyr127Ter)

Gene: KPNA7 (karyopherin subunit alpha 7; minus strand). Cytogenetic location: 7q22.1.
Variant type: single nucleotide variant.
Coding change: c.381C>G on transcript NM_001145715.3 (MANE Select); coding-DNA position 381, C replaced by G.
Protein change: p.Tyr127Ter; replaces tyrosine 127 with a stop codon.
Molecular consequence: nonsense.
Genome position (GRCh38, 1-based): chr7:99,195,242, G>C on the plus strand (C>G on the coding strand, the complement: KPNA7 is on the minus strand). VCF-style: chr7-99195242-G-C. GRCh37 (hg19) VCF-style: chr7-98792865-G-C.
Other names: short protein forms Y127*.
Identifiers: ClinVar variation 2062891 (VCV002062891.4), dbSNP rs1205970845, ClinGen allele CA368420677.

ClinVar aggregate classification (germline): Uncertain significance (1 of 4 stars; one submission).

Allele frequency attached by ClinVar (database versions not stated): gnomAD 0.00001.

Submission:

Labcorp Genetics (formerly Invitae), Labcorp
Classification: Uncertain significance. Last evaluated: 2022-08-15. Review status: criteria provided, single submitter. Criteria: Invitae Variant Classification Sherloc (09022015). Collection method: clinical testing. Allele origin: germline.
Comment: In summary, the available evidence is currently insufficient to determine the role of this variant in disease. Therefore, it has been classified as a Variant of Uncertain Significance. Algorithms developed to predict the effect of sequence changes on RNA splicing suggest that this variant may disrupt the consensus splice site. This variant has not been reported in the literature in individuals affected with KPNA7-related conditions. This variant is present in population databases (no rsID available, gnomAD no frequency). This sequence change creates a premature translational stop signal (p.Tyr127*) in the KPNA7 gene. It is expected to result in an absent or disrupted protein product. However, the current clinical and genetic evidence is not sufficient to establish whether loss-of-function variants in KPNA7 cause disease.